The following is an entry in ClinVar:

ClinVar aggregate classification (germline): Likely benign. Review status: criteria provided, multiple submitters, no conflicts (2 of 4 stars). 3 submissions from 3 submitters: Likely benign (3). Last evaluated 2026-08-01.

Conditions:
Nephrotic syndrome, type 6 (NPHS6). Identifiers: Orphanet 656, MedGen C3280100, MONDO:0013619, OMIM 614196.

Allele frequency attached by ClinVar (database versions not stated): 1000 Genomes Project 0.00040; 1000 Genomes Project 30x 0.00047; TOPMed 0.00060; ESP Exome Variant Server 0.00092.
gnomAD v4.1: 1,723 of 1,613,730 alleles (0.11%); highest among the groups gnomAD compares: Non-Finnish European, 0.14%; 1 homozygote.

Submissions (3):

CeGaT Center for Human Genetics Tuebingen
Classification: Likely benign. Last evaluated: 2026-08-01. Review status: criteria provided, single submitter. Criteria: CeGaT Center For Human Genetics Tuebingen Variant Classification Criteria Version 2. Collection method: clinical testing. Allele origin: germline. Affected: yes. Observed: 1 variant allele.
Comment: PTPRO: BP4, BP7

Labcorp Genetics (formerly Invitae), Labcorp
Classification: Likely benign. Last evaluated: 2025-10-27. Review status: criteria provided, single submitter. Criteria: Invitae Variant Classification Sherloc (09022015). Collection method: clinical testing. Allele origin: germline.

Fulgent Genetics
Classification: Likely benign for Nephrotic syndrome, type 6. Last evaluated: 2021-07-21. Review status: criteria provided, single submitter. Criteria: ACMG Guidelines, 2015. Collection method: clinical testing. Allele origin: unknown.

NM_030667.3(PTPRO):c.612C>T (p.Thr204=)

Gene: PTPRO (protein tyrosine phosphatase receptor type O; plus strand). Cytogenetic location: 12p12.3.
Variant type: single nucleotide variant.
Coding change: c.612C>T on transcript NM_030667.3 (MANE Select); coding-DNA position 612, C replaced by T.
Protein change: p.Thr204=; no amino-acid change (threonine 204 retained).
Molecular consequence: synonymous variant.
Genome position (GRCh38, 1-based): chr12:15,499,545, C>T. VCF-style: chr12-15499545-C-T. GRCh37 (hg19) VCF-style: chr12-15652479-C-T.
Other names: c.612C>T, p.Thr204= (NM_002848.4).
Identifiers: ClinVar variation 1554129 (VCV001554129.10), dbSNP rs139561990, ClinGen allele CA6466324.